The following is an entry in ClinVar:

NM_000202.8(IDS):c.1181-1G>A

Gene: IDS (iduronate 2-sulfatase; minus strand). Cytogenetic location: Xq28.
Variant type: single nucleotide variant.
Coding change: c.1181-1G>A on transcript NM_000202.8 (MANE Select); the canonical splice acceptor site of the intron before coding-DNA position 1181, G replaced by A.
Molecular consequence: splice acceptor variant.
Genome position (GRCh38, 1-based): chrX:149,483,219, C>T on the plus strand (G>A on the coding strand, the complement: IDS is on the minus strand). VCF-style: chrX-149483219-C-T. GRCh37 (hg19) VCF-style: chrX-148564750-C-T.
Other names: c.911-1G>A (NM_001166550.4).
Identifiers: ClinVar variation 221218 (VCV000221218.9), dbSNP rs864622777, ClinGen allele CA348675.

ClinVar aggregate classification (germline): Pathogenic/Likely pathogenic. Review status: criteria provided, multiple submitters, no conflicts (2 of 4 stars). 4 submissions from 4 submitters: Pathogenic (2); Likely pathogenic (1). 1 of the submissions does not count toward it. Last evaluated 2024-06-07.

Conditions:
Mucopolysaccharidosis, MPS-II (MPS2). Also called: Hunter Syndrome; Mucopolysaccharidosis with skin involvement; Mucopolysaccharidosis type 2; IDURONATE 2-SULFATASE DEFICIENCY; Mucopolysaccharidosis Type II; IDS deficiency. Identifiers: Orphanet 580, Orphanet 79388, MedGen C0026705, MONDO:0010674, OMIM 309900.

Submissions (4):

Laboratory of Diagnosis and Therapy of Lysosomal Disorders, University of Padova
Classification: Likely pathogenic for Mucopolysaccharidosis, MPS-II. Last evaluated: 2024-06-07. Review status: criteria provided, single submitter. Criteria: ACMG Guidelines, 2015. Collection method: literature only. Allele origin: germline. Affected: yes. Observed: 5 variant alleles.
Comment: Null variant (PVS1_Strong), Prevalence of the variant significantly increased in affected individuals compared with controls (PS4_Supporting), Absent from controls (or at low frequency) in gnomAD database (PM2_Moderate), Patient’s phenotype or family history highly specific for the disease (PP4_Moderate)

Classification method: ACMG Guidelines [PMID:25741868] with modifications

Labcorp Genetics (formerly Invitae), Labcorp
Classification: Pathogenic for Mucopolysaccharidosis, MPS-II. Last evaluated: 2023-06-13. Review status: criteria provided, single submitter. Criteria: Invitae Variant Classification Sherloc (09022015). Collection method: clinical testing. Allele origin: germline.
Comment: For these reasons, this variant has been classified as Pathogenic. Variants that disrupt the consensus splice site are a relatively common cause of aberrant splicing (PMID: 17576681, 9536098). Studies have shown that disruption of this splice site results in activation of a cryptic splice site and introduces a new termination codon (PMID: 7728156, 27883178). However the mRNA is not expected to undergo nonsense-mediated decay. ClinVar contains an entry for this variant (Variation ID: 221218). Disruption of this splice site has been observed in individual(s) with mucopolysaccharidosis type II (PMID: 7728156, 17063374, 27883178, 34813777, 35144014). This variant is not present in population databases (gnomAD no frequency). This sequence change affects an acceptor splice site in intron 8 of the IDS gene. RNA analysis indicates that disruption of this splice site induces altered splicing and likely disrupts the C-terminus of the protein.

IIFP, CONICET-UNLP
Classification: Pathogenic for Mucopolysaccharidosis, MPS-II. Last evaluated: 2011-12-05. Review status: criteria provided, single submitter. Criteria: ACMG Guidelines, 2007. Collection method: research. Allele origin: maternal. Inheritance: X-linked inheritance. Affected: yes. Observed: 1 variant allele.

Division of Medical Genetics, Department of Pediatrics, All India Institute of Medical Sciences, New Delhi
Classification: Affects for Mucopolysaccharidosis, MPS-II. Last evaluated: 2014-04-12. Review status: no assertion criteria provided. Collection method: research. Allele origin: germline. Inheritance: X-linked recessive inheritance. Affected: yes. Observed: 1 variant allele, 1 hemizygote. Not counted in ClinVar's aggregate classification.
Comment: The change c.1181-1G>A is a known splice donor variant. This mutation is due to substitution of G to A at nucleotide position c.1181-1G>A in the intron 8 of IDS gene.

Literature cited by the submitters: PubMed 35144014 (cited by Laboratory of Diagnosis and Therapy of Lysosomal Disorders, University of Padova and Labcorp Genetics (formerly Invitae), Labcorp); PubMed 27896113 (cited by Laboratory of Diagnosis and Therapy of Lysosomal Disorders, University of Padova); PubMed 27883178 (cited by Laboratory of Diagnosis and Therapy of Lysosomal Disorders, University of Padova and Labcorp Genetics (formerly Invitae), Labcorp); PubMed 7728156 (cited by Laboratory of Diagnosis and Therapy of Lysosomal Disorders, University of Padova and Labcorp Genetics (formerly Invitae), Labcorp); PubMed 17576681 (cited by Labcorp Genetics (formerly Invitae), Labcorp); PubMed 9536098 (cited by Labcorp Genetics (formerly Invitae), Labcorp); PubMed 17063374 (cited by Labcorp Genetics (formerly Invitae), Labcorp); PubMed 34813777 (cited by Labcorp Genetics (formerly Invitae), Labcorp); DOI 10.1016/j.ymgmr.2014.08.006 (cited by IIFP, CONICET-UNLP).